The following is an entry in ClinVar:

NM_000297.4(PKD2):c.1320G>T (p.Arg440Ser)

Gene: PKD2 (polycystin 2, transient receptor potential cation channel; plus strand). Cytogenetic location: 4q22.1.
Variant type: single nucleotide variant.
Coding change: c.1320G>T on transcript NM_000297.4 (MANE Select); coding-DNA position 1320, G replaced by T.
Protein change: p.Arg440Ser; replaces arginine 440 with serine.
Molecular consequence: missense variant. On other transcripts: non-coding transcript variant (1).
Genome position (GRCh38, 1-based): chr4:88,046,642, G>T. VCF-style: chr4-88046642-G-T. GRCh37 (hg19) VCF-style: chr4-88967794-G-T.
Other names: short protein forms R440S.
Identifiers: ClinVar variation 811865 (VCV000811865.59), dbSNP rs886041114, ClinGen allele CA357618352.

ClinVar aggregate classification (germline): Pathogenic/Likely pathogenic. Review status: criteria provided, multiple submitters, no conflicts (2 of 4 stars). 11 submissions from 11 submitters: Pathogenic (7); Likely pathogenic (4). Last evaluated 2025-12-17.

Conditions:
Polycystic kidney disease 2 (PKD2). Also called: Polycystic Kidney Disease 2, Autosomal Dominant; POLYCYSTIC KIDNEY DISEASE, ADULT, TYPE II; POLYCYSTIC KIDNEY DISEASE 2 WITH OR WITHOUT POLYCYSTIC LIVER DISEASE. Identifiers: MedGen C2751306, MONDO:0013131, OMIM 613095.
PKD2-related disorder. Also called: PKD2-related condition.
Autosomal dominant polycystic kidney disease. Identifiers: Orphanet 730, MedGen C0085413, MONDO:0004691.

Allele frequency attached by ClinVar (database versions not stated): TOPMed 0.00001.
gnomAD v4.1: 3 of 1,569,828 alleles (0.00019%); highest among the groups gnomAD compares: Non-Finnish European, 0.00026%; no homozygotes.

Submissions (11):

PreventionGenetics, part of Exact Sciences
Classification: Pathogenic for PKD2-related condition. Last evaluated: 2025-12-17. Review status: criteria provided, single submitter. Criteria: ACMG Guidelines, 2015. Collection method: clinical testing. Allele origin: germline.
Comment: The PKD2 c.1320G>T variant is predicted to result in the amino acid substitution p.Arg440Ser. This variant is located at the first base of exon 6 and is predicted to weaken the conserved splice acceptor signal (Alamut Visual Plus v1.6.1; SpliceAI, Jaganathan et al. 2019. PubMed ID: 30661751). This variant has been repeatedly reported in individuals with polycystic kidney disease (PKD) (Neumann et al. 2012. PubMed ID: 22367170; Nielsen et al. 2021. PubMed ID: 33639313; Tan et al. 2011. PubMed ID: 20950398; Neumann et al. 2013. PubMed ID: 23300259). This variant has not been reported in a large population database (gnomAD), indicating this variant is rare. This variant is interpreted as pathogenic.

Women's Health and Genetics/Laboratory Corporation of America, LabCorp
Classification: Pathogenic for Polycystic kidney disease 2. Last evaluated: 2025-04-02. Review status: criteria provided, single submitter. Criteria: LabCorp Variant Classification Summary - May 2015. Collection method: clinical testing. Allele origin: germline.
Comment: Variant summary: PKD2 c.1320G>T (p.Arg440Ser) results in a non-conservative amino acid change located in the Polycystin domain (IPR046791) of the encoded protein sequence. Three of five in-silico tools predict a damaging effect of the variant on protein function. Several computational tools predict a significant impact on normal splicing: Two predict the variant creates a 5 donor site. Experimental evidence evaluating mRNA from patient leukocytes confirmed these predictions, showing the variant results in transcripts that skip exon 6 (Tan_2011). The variant was absent in 251286 control chromosomes (gnomAD). c.1320G>T has been reported in the literature in individuals affected with Polycystic Kidney Disease 2 (e.g. Tan_2011, Neumann_2012, Nielsen_2021, Lindemann_2022). These data indicate that the variant may be associated with disease. The following publications have been ascertained in the context of this evaluation (PMID: 22367170, 33639313, 20950398, 36938073). ClinVar contains an entry for this variant (Variation ID: 811865). Based on the evidence outlined above, the variant was classified as pathogenic.

Department of Pathology and Laboratory Medicine, Sinai Health System
Classification: Likely pathogenic for Polycystic kidney disease 2. Last evaluated: 2025-02-18. Review status: criteria provided, single submitter. Criteria: ACMG Guidelines, 2015. Collection method: clinical testing. Allele origin: germline. Affected: yes.

Labcorp Genetics (formerly Invitae), Labcorp
Classification: Pathogenic for Autosomal dominant polycystic kidney disease. Last evaluated: 2025-01-26. Review status: criteria provided, single submitter. Criteria: Invitae Variant Classification Sherloc (09022015). Collection method: clinical testing. Allele origin: germline.
Comment: This sequence change replaces arginine, which is basic and polar, with serine, which is neutral and polar, at codon 440 of the PKD2 protein (p.Arg440Ser). RNA analysis indicates that this missense change induces altered splicing and may result in an absent or altered protein product. This variant is not present in population databases (gnomAD no frequency). This missense change has been observed in individuals with autosomal dominant polycystic kidney disease (PMID: 20950398, 23300259; internal data). ClinVar contains an entry for this variant (Variation ID: 811865). An algorithm developed to predict the effect of missense changes on protein structure and function (PolyPhen-2) suggests that this variant is likely to be disruptive. Studies have shown that this missense change results in skipping of exon 6, and produces a non-functional protein and/or introduces a premature termination codon (PMID: 20950398). For these reasons, this variant has been classified as Pathogenic.

Victorian Clinical Genetics Services, Murdoch Childrens Research Institute
Classification: Pathogenic for Polycystic kidney disease 2. Last evaluated: 2024-10-08. Review status: criteria provided, single submitter. Criteria: ACMG Guidelines, 2015. Collection method: clinical testing. Allele origin: germline. Affected: yes.
Comment: This variant is classified as Pathogenic. Evidence in support of pathogenic classification: Variant is present in gnomAD <0.001 for a dominant condition (v4: 3 heterozygote(s), 0 homozygote(s)); This variant has strong previous evidence of pathogenicity in unrelated individuals. This variant has been submitted five times as likely pathogenic and twice as pathogenic in ClinVar, and reported in the literature in two individuals with autosomal dominant polycystic kidney disease (PMIDs: 20950398, 22367170); This variant has moderate functional evidence supporting abnormal protein function. Introduction of this variant in Xenopus oocytes causes a significant reduction in ion channel function (PMID: 37028763); Missense variant consistently predicted to be damaging by an in silico tool or highly conserved with a major amino acid change. Abnormal splicing is predicted by an in silico tool and the affected nucleotide is highly conserved. Additional information: Variant is predicted to result in a missense amino acid change from arginine to serine. This variant is located at the first nucleotide of an exon. Splicing studies have suggested that this variant causes exon skipping; however, the data is inconclusive (PMID: 20950398); This variant is heterozygous; This gene is associated with autosomal dominant disease; Another missense variant comparable to the one identified in this case has inconclusive previous evidence for pathogenicity. p.(Arg440Thr) has been reported in an individual with an undefined ciliopathy and classified as a VUS (PMID: 33226606); Variant is located in the annotated polycystin domain (DECIPHER); Loss of function is a known mechanism of disease in this gene and is associated with polycystic kidney disease 2 (MIM#613095); Inheritance information for this variant is not currently available in this individual.

Blueprint Genetics
Classification: Pathogenic for PKD2-related disorders. Last evaluated: 2024-06-04. Review status: criteria provided, single submitter. Criteria: ACMG Guidelines, 2015. Collection method: clinical testing. Allele origin: germline. Affected: yes. Observed: 2 variant alleles.

Fulgent Genetics
Classification: Pathogenic for Polycystic kidney disease 2. Last evaluated: 2024-02-20. Review status: criteria provided, single submitter. Criteria: ACMG Guidelines, 2015. Collection method: clinical testing. Allele origin: germline.

GeneDx
Classification: Pathogenic. Last evaluated: 2023-08-08. Review status: criteria provided, single submitter. Criteria: GeneDx Variant Classification Process June 2021. Collection method: clinical testing. Allele origin: germline. Affected: yes.
Comment: This variant is demonstrated to destroy the canonical splice acceptor site and result in loss of function (Tan et al., 2011); Not observed at significant frequency in large population cohorts (gnomAD); In silico analysis supports that this missense variant has a deleterious effect on protein structure/function; This variant is associated with the following publications: (PMID: 26692149, 20950398, 22367170, 33639313)

CeGaT Center for Human Genetics Tuebingen
Classification: Likely pathogenic. Last evaluated: 2023-03-01. Review status: criteria provided, single submitter. Criteria: CeGaT Center For Human Genetics Tuebingen Variant Classification Criteria Version 2. Collection method: clinical testing. Allele origin: germline. Affected: yes. Observed: 1 variant allele.
Comment: PKD2: PM2, PS4:Moderate, PP3, PP4, PS3:Supporting

MGZ Medical Genetics Center
Classification: Likely pathogenic for Polycystic kidney disease 2. Last evaluated: 2022-04-05. Review status: criteria provided, single submitter. Criteria: ACMG Guidelines, 2015. Collection method: clinical testing. Allele origin: germline. Affected: yes. Observed: 3 variant alleles.
Comment: ACMG criteria applied: PS3, PS4_MOD, PM2_SUP, PP4

ARUP Laboratories, Molecular Genetics and Genomics, ARUP Laboratories
Classification: Likely pathogenic for Polycystic kidney disease 2. Last evaluated: 2018-12-24. Review status: criteria provided, single submitter. Criteria: ARUP Molecular Germline Variant Investigation Process. Collection method: clinical testing. Allele origin: germline.
Comment: The PKD2 c.1320G>T; p.Arg440Ser variant is reported in the literature in several individuals affected with autosomal dominant polycystic kidney disease (Neumann 2012, Tan 2011). This variant is absent from general population databases (Exome Variant Server, Genome Aggregation Database), indicating it is not a common polymorphism. This variant occurs in a moderately conserved nucleotide at the first nucleotide of exon 6, and computational analyses (Alamut v.2.11) predict that this variant may impact splicing by weakening the nearby canonical acceptor splice site. Consistent with these predictions, RNA analyses indicate increased skipping of exon 6 and decreased levels of mature PKD2 transcript in cells from an affected individual with this variant (Tan 2011). Based on available information, this variant is considered to be likely pathogenic. References: Neumann HP et al. Adult patients with sporadic polycystic kidney disease: the importance of screening for mutations in the PKD1 and PKD2 genes. Int Urol Nephrol. 2012 Dec;44(6):1753-62. Tan YC et al. Aberrant PKD2 splicing due to a presumed novel missense mutation in autosomal-dominant polycystic kidney disease. Clin Genet. 2011 Sep;80(3):287-92.

Literature cited by the submitters: PubMed 22367170 (cited by Women's Health and Genetics/Laboratory Corporation of America, LabCorp and Victorian Clinical Genetics Services, Murdoch Childrens Research Institute); PubMed 33639313 (cited by Women's Health and Genetics/Laboratory Corporation of America, LabCorp); PubMed 20950398 (cited by 4 submitters); PubMed 36938073 (cited by Women's Health and Genetics/Laboratory Corporation of America, LabCorp); PubMed 23300259 (cited by Department of Pathology and Laboratory Medicine, Sinai Health System and Labcorp Genetics (formerly Invitae), Labcorp); PubMed 37028763 (cited by Victorian Clinical Genetics Services, Murdoch Childrens Research Institute); PubMed 33226606 (cited by Victorian Clinical Genetics Services, Murdoch Childrens Research Institute).